The following is an entry in ClinVar:

NM_024989.4(PGAP1):c.20del (p.Asn7fs)

Gene: PGAP1 (post-GPI attachment to proteins inositol deacylase 1; minus strand). Cytogenetic location: 2q33.1.
Variant type: Deletion.
Coding change: c.20del on transcript NM_024989.4 (MANE Select); coding-DNA position 20, one base deleted (A; older notation c.20delA).
Protein change: p.Asn7fs; shifts the reading frame from asparagine 7.
Molecular consequence: frameshift variant. On other transcripts: 5 prime UTR variant (2).
Genome position (GRCh38, 1-based): chr2:196,926,597, T deleted on the plus strand (A on the coding strand, the reverse complement: PGAP1 is on the minus strand); the first of 2 consecutive T bases (chr2:196,926,597-196,926,598); deleting either gives the same sequence. VCF-style (leftmost placement, unchanged base first): chr2-196926596-AT-A. GRCh37 (hg19) VCF-style: chr2-197791320-AT-A.
Other names: c.-587del (NM_001321099.2); c.-1092del (NM_001321100.2); short protein forms N7fs.
Identifiers: ClinVar variation 1980388 (VCV001980388.4), dbSNP rs1703370102, ClinGen allele CA1318985319.

ClinVar aggregate classification (germline): Pathogenic (1 of 4 stars; one submission).

Conditions:
Intellectual disability, autosomal recessive 42 (NEDDSBA). Also called: GLYCOSYLPHOSPHATIDYLINOSITOL BIOSYNTHESIS DEFECT 9; Neurodevelopmental disorder with dysmorphic features, spasticity, and brain abnormalities. Identifiers: Orphanet 88616, MedGen C4014343, MONDO:0014348, OMIM 615802.

Submission:

Labcorp Genetics (formerly Invitae), Labcorp
Classification: Pathogenic for Intellectual disability, autosomal recessive 42. Last evaluated: 2022-03-16. Review status: criteria provided, single submitter. Criteria: Invitae Variant Classification Sherloc (09022015). Collection method: clinical testing. Allele origin: germline.
Comment: For these reasons, this variant has been classified as Pathogenic. This sequence change creates a premature translational stop signal (p.Asn7Ilefs*33) in the PGAP1 gene. It is expected to result in an absent or disrupted protein product. Loss-of-function variants in PGAP1 are known to be pathogenic (PMID: 17711852, 26050939, 27848944). This variant is not present in population databases (gnomAD no frequency). This variant has not been reported in the literature in individuals affected with PGAP1-related conditions.

Literature cited by the submitters: PubMed 17711852; PubMed 26050939; PubMed 27848944.